The following is an entry in ClinVar:

ClinVar aggregate classification (germline): Benign/Likely benign. Review status: criteria provided, multiple submitters, no conflicts (2 of 4 stars). 2 submissions from 2 submitters: Benign (1); Likely benign (1). Last evaluated 2024-02-29.

Conditions:
Hereditary cancer-predisposing syndrome. Also called: Neoplastic Syndromes, Hereditary; Tumor predisposition; Hereditary Cancer Syndrome; Hereditary neoplastic syndrome. Identifiers: Orphanet 140162, MedGen C0027672, MeSH D009386, MONDO:0015356.
Familial adenomatous polyposis 1 (FAP1). Also called: FAMILIAL ADENOMATOUS POLYPOSIS 1, ATTENUATED; POLYPOSIS, ADENOMATOUS INTESTINAL. Identifiers: MedGen C2713442, MONDO:0021056, OMIM 175100. Disease mechanism: loss of function.

Submissions (2):

Myriad Genetics, Inc.
Classification: Benign for Familial adenomatous polyposis 1. Last evaluated: 2024-02-29. Review status: criteria provided, single submitter. Criteria: Myriad Autosomal Dominant, Autosomal Recessive and X-Linked Classification Criteria (2023). Collection method: clinical testing. Allele origin: unknown.
Comment: This variant is considered benign. This variant is a silent/synonymous amino acid change and it is not expected to impact splicing.

Ambry Genetics
Classification: Likely benign for Hereditary cancer-predisposing syndrome. Last evaluated: 2016-06-16. Review status: criteria provided, single submitter. Criteria: Ambry Variant Classification Scheme 2023. Collection method: clinical testing. Allele origin: germline.

NM_000038.6(APC):c.939A>G (p.Glu313=)

Gene: APC (APC regulator of Wnt signaling pathway; plus strand). Cytogenetic location: 5q22.2.
Variant type: single nucleotide variant.
Coding change: c.939A>G on transcript NM_000038.6 (MANE Select); coding-DNA position 939, A replaced by G.
Protein change: p.Glu313=; no amino-acid change (glutamic acid 313 retained).
Molecular consequence: synonymous variant. On other transcripts: intron variant (4).
Genome position (GRCh38, 1-based): chr5:112,818,971, A>G. VCF-style: chr5-112818971-A-G. GRCh37 (hg19) VCF-style: chr5-112154668-A-G.
Other names: c.939A>G, p.Glu313= (NM_001127510.3, NM_001354895.2, NM_001354896.2); c.885A>G, p.Glu295= (NM_001127511.3); c.969A>G, p.Glu323= (NM_001354897.2); c.864A>G, p.Glu288= (NM_001354898.2); c.855A>G, p.Glu285= (NM_001354899.2); c.762A>G, p.Glu254= (NM_001354900.2, NM_001354901.2); c.90A>G, p.Glu30= (NM_001354906.2); c.964-298A>G (NM_001354902.2); and 3 more.
Identifiers: ClinVar variation 482370 (VCV000482370.5), dbSNP rs1554079944, ClinGen allele CA445755746.
Genomic context (GRCh38, chr5:112,818,971, plus strand): 5'-TTGGCTTTTGGATATTAAAGTCGTAATTTTGTTTCTAAACTCATTTGGCCCACAGGTGGA[A>G]ATGGTGTATTCATTGTTGTCAATGCTTGGTACTCATGATAAGGATGATATGTCGCGAACT-3'
Protein context (NP_000029.2, residues 303-323): RLTSHLGTKV[Glu313=]MVYSLLSMLG